The following is an entry in ClinVar:

NM_004329.3(BMPR1A):c.89T>C (p.Leu30Pro)

Gene: BMPR1A (bone morphogenetic protein receptor type 1A; plus strand). Cytogenetic location: 10q23.2.
Variant type: single nucleotide variant.
Coding change: c.89T>C on transcript NM_004329.3 (MANE Select); coding-DNA position 89, T replaced by C.
Protein change: p.Leu30Pro; replaces leucine 30 with proline.
Molecular consequence: missense variant.
Genome position (GRCh38, 1-based): chr10:86,890,083, T>C. VCF-style: chr10-86890083-T-C. GRCh37 (hg19) VCF-style: chr10-88649840-T-C.
Other names: c.89T>C, p.Leu30Pro (NM_001406559.1, NM_001406560.1, NM_001406561.1 and 23 more transcripts); c.5T>C, p.Leu2Pro (NM_001406584.1, NM_001406585.1, NM_001406586.1 and 2 more transcripts); short protein forms L2P, L30P.
Identifiers: ClinVar variation 1765413 (VCV001765413.4), dbSNP rs1194403044, ClinGen allele CA377446308.

ClinVar aggregate classification (germline): Uncertain significance. Review status: criteria provided, multiple submitters, no conflicts (2 of 4 stars). 2 submissions from 2 submitters: Uncertain significance (2). Last evaluated 2024-03-07.

Conditions:
Hereditary cancer-predisposing syndrome. Also called: Neoplastic Syndromes, Hereditary; Tumor predisposition; Hereditary Cancer Syndrome; Hereditary neoplastic syndrome. Identifiers: Orphanet 140162, MedGen C0027672, MeSH D009386, MONDO:0015356.

Allele frequency attached by ClinVar (database versions not stated): gnomAD exomes below 0.00001.
gnomAD v4.1: 1 of 1,613,344 alleles (0.000062%); highest among the groups gnomAD compares: Non-Finnish European, 0.000085%; no homozygotes.

Submissions (2):

Color Diagnostics, LLC DBA Color Health
Classification: Uncertain significance for Hereditary cancer-predisposing syndrome. Last evaluated: 2024-03-07. Review status: criteria provided, single submitter. Criteria: ACMG Guidelines, 2015. Collection method: clinical testing. Allele origin: germline.
Comment: This missense variant replaces leucine with proline at codon 30 of the BMPR1A protein. Computational prediction suggests that this variant may not impact protein structure and function (internally defined REVEL score threshold <= 0.5, PMID: 27666373). To our knowledge, functional studies have not been reported for this variant. This variant has not been reported in individuals affected with hereditary cancer in the literature. This variant has not been identified in the general population by the Genome Aggregation Database (gnomAD). The available evidence is insufficient to determine the role of this variant in disease conclusively. Therefore, this variant is classified as a Variant of Uncertain Significance.

Ambry Genetics
Classification: Uncertain significance for Hereditary cancer-predisposing syndrome. Last evaluated: 2022-01-16. Review status: criteria provided, single submitter. Criteria: Ambry Variant Classification Scheme 2023. Collection method: clinical testing. Allele origin: germline.
Comment: The p.L30P variant (also known as c.89T>C), located in coding exon 2 of the BMPR1A gene, results from a T to C substitution at nucleotide position 89. The leucine at codon 30 is replaced by proline, an amino acid with similar properties. This amino acid position is conserved. In addition, the in silico prediction for this alteration is inconclusive. Since supporting evidence is limited at this time, the clinical significance of this alteration remains unclear.